The following is an entry in ClinVar:

ClinVar aggregate classification (germline): Uncertain significance (1 of 4 stars; one submission).

Conditions:
Familial adenomatous polyposis 1 (FAP1). Also called: FAMILIAL ADENOMATOUS POLYPOSIS 1, ATTENUATED; POLYPOSIS, ADENOMATOUS INTESTINAL. Identifiers: MedGen C2713442, MONDO:0021056, OMIM 175100. Disease mechanism: loss of function.

gnomAD v4.1: 1 of 1,613,928 alleles (0.000062%); highest among the groups gnomAD compares: Non-Finnish European, 0.000085%; no homozygotes.

Submission:

Labcorp Genetics (formerly Invitae), Labcorp
Classification: Uncertain significance for Familial adenomatous polyposis 1. Last evaluated: 2023-08-07. Review status: criteria provided, single submitter. Criteria: Invitae Variant Classification Sherloc (09022015). Collection method: clinical testing. Allele origin: germline.
Comment: In summary, the available evidence is currently insufficient to determine the role of this variant in disease. Therefore, it has been classified as a Variant of Uncertain Significance. Advanced modeling of protein sequence and biophysical properties (such as structural, functional, and spatial information, amino acid conservation, physicochemical variation, residue mobility, and thermodynamic stability) performed at Invitae indicates that this missense variant is not expected to disrupt APC protein function. This sequence change replaces aspartic acid, which is acidic and polar, with glycine, which is neutral and non-polar, at codon 1871 of the APC protein (p.Asp1871Gly). ClinVar contains an entry for this variant (Variation ID: 2099703). This variant has not been reported in the literature in individuals affected with APC-related conditions. This variant is not present in population databases (gnomAD no frequency).

NM_000038.6(APC):c.5612A>G (p.Asp1871Gly)

Gene: APC (APC regulator of Wnt signaling pathway; plus strand). Cytogenetic location: 5q22.2.
Variant type: single nucleotide variant.
Coding change: c.5612A>G on transcript NM_000038.6 (MANE Select); coding-DNA position 5612, A replaced by G.
Protein change: p.Asp1871Gly; replaces aspartic acid 1871 with glycine.
Molecular consequence: missense variant.
Genome position (GRCh38, 1-based): chr5:112,841,206, A>G. VCF-style: chr5-112841206-A-G. GRCh37 (hg19) VCF-style: chr5-112176903-A-G.
Other names: c.5132A>G, p.Asp1711Gly (NM_001354905.2); c.4763A>G, p.Asp1588Gly (NM_001354906.2, NM_001407470.1); c.5696A>G, p.Asp1899Gly (NM_001407446.1); c.5666A>G, p.Asp1889Gly (NM_001407447.1, NM_001407448.1, NM_001407449.1 and 1 more transcripts); c.5612A>G, p.Asp1871Gly (NM_001407450.1, NM_001127510.3, NM_001354895.2); c.5591A>G, p.Asp1864Gly (NM_001407451.1); c.5582A>G, p.Asp1861Gly (NM_001407452.1); c.5435A>G, p.Asp1812Gly (NM_001407453.1, NM_001354901.2); and 11 more; short protein forms D1742G, D1853G, D1889G, D1487G, D1588G, D1711G, D1780G, D1830G.
Identifiers: ClinVar variation 2099703 (VCV002099703.4), dbSNP rs1561601349, ClinGen allele CA16033615.